The following is an entry in ClinVar:

ClinVar aggregate classification (germline): Uncertain significance (1 of 4 stars; one submission).

Conditions:
Arrhythmogenic right ventricular dysplasia 11. Also called: Arrhythmogenic right ventricular dysplasia 11 with mild palmoplantar keratoderma and woolly hair; Arrhythmogenic Right Ventricular Dysplasia/Cardiomyopathy11; ARRHYTHMOGENIC RIGHT VENTRICULAR DYSPLASIA, FAMILIAL, 11. Identifiers: MedGen C1864850, MONDO:0012506, OMIM 610476.

Allele frequency attached by ClinVar (database versions not stated): gnomAD exomes below 0.00001.
gnomAD v4.1: 10 of 1,614,048 alleles (0.00062%); highest among the groups gnomAD compares: East Asian, 0.0022%; no homozygotes.

Submission:

Labcorp Genetics (formerly Invitae), Labcorp
Classification: Uncertain significance for Arrhythmogenic right ventricular dysplasia 11. Last evaluated: 2021-08-16. Review status: criteria provided, single submitter. Criteria: Invitae Variant Classification Sherloc (09022015). Collection method: clinical testing. Allele origin: germline.
Comment: In summary, the available evidence is currently insufficient to determine the role of this variant in disease. Therefore, it has been classified as a Variant of Uncertain Significance. Algorithms developed to predict the effect of missense changes on protein structure and function (SIFT, PolyPhen-2, Align-GVGD) all suggest that this variant is likely to be tolerated. This variant has not been reported in the literature in individuals affected with DSC2-related conditions. This variant is not present in population databases (ExAC no frequency). This sequence change replaces methionine with valine at codon 589 of the DSC2 protein (p.Met589Val). The methionine residue is weakly conserved and there is a small physicochemical difference between methionine and valine.

NM_024422.6(DSC2):c.1765A>G (p.Met589Val)

Gene: DSC2 (desmocollin 2; minus strand). Cytogenetic location: 18q12.1.
Variant type: single nucleotide variant.
Coding change: c.1765A>G on transcript NM_024422.6 (MANE Select); coding-DNA position 1765, A replaced by G.
Protein change: p.Met589Val; replaces methionine 589 with valine.
Molecular consequence: missense variant.
Genome position (GRCh38, 1-based): chr18:31,074,806, T>C on the plus strand (A>G on the coding strand, the complement: DSC2 is on the minus strand). VCF-style: chr18-31074806-T-C. GRCh37 (hg19) VCF-style: chr18-28654772-T-C.
Other names: c.1765A>G, p.Met589Val (NM_004949.5); short protein forms M589V.
Identifiers: ClinVar variation 1469652 (VCV001469652.6), dbSNP rs1442456553, ClinGen allele CA402114109.